The following is an entry in ClinVar:

ClinVar aggregate classification (germline): Likely pathogenic (1 of 4 stars; one submission).

Conditions:
Autosomal recessive limb-girdle muscular dystrophy type 2J (LGMDR10). Also called: Limb-girdle muscular dystrophy, type 2J; MUSCULAR DYSTROPHY, LIMB-GIRDLE, AUTOSOMAL RECESSIVE 10. Identifiers: Orphanet 140922, MedGen C1837342, MONDO:0012127, OMIM 608807.
Dilated cardiomyopathy 1G (CMD1G). Identifiers: Orphanet 154, MedGen C1858763, MONDO:0011400, OMIM 604145.

Submission:

Labcorp Genetics (formerly Invitae), Labcorp
Classification: Likely pathogenic for Dilated cardiomyopathy 1G; Autosomal recessive limb-girdle muscular dystrophy type 2J. Last evaluated: 2025-12-19. Review status: criteria provided, single submitter. Criteria: Invitae Variant Classification Sherloc (09022015). Collection method: clinical testing. Allele origin: germline.
Comment: This sequence change affects an acceptor splice site in intron 9 of the TTN gene. It is expected to disrupt RNA splicing and likely results in a truncated or disrupted TTN protein. This variant is not present in population databases (gnomAD no frequency). This variant has not been reported in the literature in individuals affected with TTN-related conditions. Algorithms developed to predict the effect of sequence changes on RNA splicing suggest that this variant may disrupt the consensus splice site. This variant is located in the Z band of TTN (PMID: 25589632). Truncating variants in this region have been reported in individuals affected with autosomal recessive centronuclear myopathy (PMID: 33449170, internal data). Truncating variants in this region have also been identified in individuals affected with autosomal dominant dilated cardiomyopathy and/or cardio-related conditions (PMID: 27869827, 32964742, internal data). In summary, the currently available evidence indicates that the variant is pathogenic, but additional data are needed to prove that conclusively. Therefore, this variant has been classified as Likely Pathogenic.

Literature cited by the submitters: PubMed 25589632; PubMed 33449170; PubMed 27869827; PubMed 32964742.

NM_001267550.2(TTN):c.1537-1G>T

Gene: TTN (titin; minus strand). Cytogenetic location: 2q31.2.
Variant type: single nucleotide variant.
Coding change: c.1537-1G>T on transcript NM_001267550.2 (MANE Select); the canonical splice acceptor site of the intron before coding-DNA position 1537, G replaced by T.
Molecular consequence: splice acceptor variant.
Genome position (GRCh38, 1-based): chr2:178,792,198, C>A on the plus strand (G>T on the coding strand, the complement: TTN is on the minus strand). VCF-style: chr2-178792198-C-A. GRCh37 (hg19) VCF-style: chr2-179656925-C-A.
Other names: c.1537-1G>T (NM_003319.4, NM_133437.4, NM_133432.3 and 3 more transcripts).
Identifiers: ClinVar variation 4785336 (VCV004785336.1).
Genomic context (GRCh38, chr2:178,792,198, plus strand): 5'-GGCTTTAGCTGCGGAAATTACTACCTTTGGTACAAATGTTTTTTCAGTTTCTTTTCTTAT[C>A]TGCAAAGAATGATTTAAGAAAAAACTTTATTTCCTGATGCCCAATGAAATAATATGGTGT-3'